The following is an entry in ClinVar:

ClinVar aggregate classification (germline): Uncertain significance. Review status: criteria provided, multiple submitters, no conflicts (2 of 4 stars). 3 submissions from 3 submitters: Uncertain significance (3). Last evaluated 2025-05-18.

Conditions:
Hereditary cancer-predisposing syndrome. Also called: Neoplastic Syndromes, Hereditary; Hereditary Cancer Syndrome; Hereditary neoplastic syndrome; Tumor predisposition. Identifiers: Orphanet 140162, MedGen C0027672, MeSH D009386, MONDO:0015356.
Multiple endocrine neoplasia, type 2 (MEN2). Identifiers: Orphanet 653, MedGen C4048306, MONDO:0019003. Disease mechanism: gain of function.

Allele frequency attached by ClinVar (database versions not stated): gnomAD exomes below 0.00001; TOPMed below 0.00001; gnomAD 0.00001; ExAC 0.00002.
gnomAD v4.1: 5 of 1,597,118 alleles (0.00031%); highest among the groups gnomAD compares: Non-Finnish European, 0.00042%; no homozygotes.

Submissions (3):

Ambry Genetics
Classification: Uncertain significance for Hereditary cancer-predisposing syndrome. Last evaluated: 2025-05-18. Review status: criteria provided, single submitter. Criteria: Ambry Variant Classification Scheme 2023. Collection method: clinical testing. Allele origin: germline.
Comment: The p.L229P variant (also known as c.686T>C), located in coding exon 4 of the RET gene, results from a T to C substitution at nucleotide position 686. The leucine at codon 229 is replaced by proline, an amino acid with similar properties. This amino acid position is conserved. In addition, this alteration is predicted to be deleterious by in silico analysis. Since supporting evidence is limited at this time, the clinical significance of this alteration remains unclear.

Labcorp Genetics (formerly Invitae), Labcorp
Classification: Uncertain significance for Multiple endocrine neoplasia, type 2. Last evaluated: 2025-03-23. Review status: criteria provided, single submitter. Criteria: Invitae Variant Classification Sherloc (09022015). Collection method: clinical testing. Allele origin: germline.
Comment: This sequence change replaces leucine, which is neutral and non-polar, with proline, which is neutral and non-polar, at codon 229 of the RET protein (p.Leu229Pro). The frequency data for this variant in the population databases is considered unreliable, as metrics indicate poor data quality at this position in the gnomAD database. This variant has not been reported in the literature in individuals affected with RET-related conditions. ClinVar contains an entry for this variant (Variation ID: 477382). An algorithm developed to predict the effect of missense changes on protein structure and function (PolyPhen-2) suggests that this variant is likely to be disruptive. In summary, the available evidence is currently insufficient to determine the role of this variant in disease. Therefore, it has been classified as a Variant of Uncertain Significance.

GeneDx
Classification: Uncertain significance. Last evaluated: 2025-02-18. Review status: criteria provided, single submitter. Criteria: GeneDx Variant Classification Process June 2021. Collection method: clinical testing. Allele origin: germline. Affected: yes.
Comment: Not observed at significant frequency in large population cohorts (gnomAD); In silico analysis supports that this missense variant has a deleterious effect on protein structure/function; Has not been previously published as pathogenic or benign to our knowledge; This variant is associated with the following publications: (PMID: 14633923)

NM_020975.6(RET):c.686T>C (p.Leu229Pro)

Gene: RET (ret proto-oncogene; plus strand). Cytogenetic location: 10q11.21.
Variant type: single nucleotide variant.
Coding change: c.686T>C on transcript NM_020975.6 (MANE Select); coding-DNA position 686, T replaced by C.
Protein change: p.Leu229Pro; replaces leucine 229 with proline.
Molecular consequence: missense variant.
Genome position (GRCh38, 1-based): chr10:43,105,012, T>C. VCF-style: chr10-43105012-T-C. GRCh37 (hg19) VCF-style: chr10-43600460-T-C.
Other names: c.686T>C, p.Leu229Pro (NM_000323.2, NM_001406743.1, NM_001406744.1 and 8 more transcripts); c.-77T>C (NM_001355216.2); c.557T>C, p.Leu186Pro (NM_001406761.1, NM_001406762.1, NM_001406764.1 and 2 more transcripts); c.398T>C, p.Leu133Pro (NM_001406766.1, NM_001406767.1, NM_001406770.1); short protein forms L229P, L133P, L186P.
Identifiers: ClinVar variation 477382 (VCV000477382.14), dbSNP rs767654905, ClinGen allele CA044512.